The following is an entry in ClinVar:

NM_000092.5(COL4A4):c.2161C>T (p.Pro721Ser)

Gene: COL4A4 (collagen type IV alpha 4 chain; minus strand). Cytogenetic location: 2q36.3.
Variant type: single nucleotide variant.
Coding change: c.2161C>T on transcript NM_000092.5 (MANE Select); coding-DNA position 2161, C replaced by T.
Protein change: p.Pro721Ser; replaces proline 721 with serine.
Molecular consequence: missense variant.
Genome position (GRCh38, 1-based): chr2:227,060,139, G>A on the plus strand (C>T on the coding strand, the complement: COL4A4 is on the minus strand). VCF-style: chr2-227060139-G-A. GRCh37 (hg19) VCF-style: chr2-227924855-G-A.
Other names: short protein forms P721S.
Identifiers: ClinVar variation 982735 (VCV000982735.18), dbSNP rs200759521, ClinGen allele CA2144932.

ClinVar aggregate classification (germline): Conflicting classifications of pathogenicity. Review status: criteria provided, conflicting classifications (1 of 4 stars). 8 submissions from 8 submitters: Uncertain significance (6); Likely benign (1). 1 of the submissions does not count toward it. Last evaluated 2026-08-31.

Conditions:
COL4A4-related disorder.
Autosomal recessive Alport syndrome (ATS2). Also called: ALPORT SYNDROME 2, AUTOSOMAL RECESSIVE; COL4A3-Related Nephropathy; Alport syndrome type 2; COL4A4 Alport Syndrome and Thin Basement Membrane Nephropathy. Identifiers: Orphanet 63, Orphanet 88919, MedGen C4746745, MONDO:0008762, OMIM 203780.
Alport syndrome. Also called: Hemorrhagic familial nephritis; Hemorrhagic hereditary nephritis; Congenital hereditary hematuria. Identifiers: Orphanet 63, MedGen C1567741, MONDO:0018965.

Allele frequency attached by ClinVar (database versions not stated): ExAC 0.00008; gnomAD exomes 0.00009; gnomAD 0.00012 and 0.00013; ESP Exome Variant Server 0.00017.
gnomAD v4.1: 115 of 1,259,056 alleles (0.0091%); highest among the groups gnomAD compares: Non-Finnish European, 0.013%; no homozygotes.

Submissions (8):

Myriad Genetics, Inc.
Classification: Uncertain significance for Alport syndrome. Last evaluated: 2026-08-31. Review status: criteria provided, single submitter. Criteria: Myriad Autosomal Dominant, Autosomal Recessive and X-Linked Classification Criteria (2023). Collection method: clinical testing. Allele origin: unknown.
Comment: NM_000092.4(COL4A4):c.2161C>T(P721S) is a missense variant classified as a variant of uncertain significance in the context of Alport syndrome, COL4A4-related. P721S has not been observed in cases with relevant disease. Relevant functional assessments of this variant are not available in the literature. P721S has been observed in referenced population frequency databases. In summary, there is insufficient evidence to classify NM_000092.4(COL4A4):c.2161C>T(P721S) as pathogenic or benign. Please note: this variant was assessed in the context of healthy population screening.

Labcorp Genetics (formerly Invitae), Labcorp
Classification: Likely benign. Last evaluated: 2026-01-19. Review status: criteria provided, single submitter. Criteria: Invitae Variant Classification Sherloc (09022015). Collection method: clinical testing. Allele origin: germline.

GeneDx
Classification: Uncertain significance. Last evaluated: 2025-08-25. Review status: criteria provided, single submitter. Criteria: GeneDx Variant Classification Process June 2021. Collection method: clinical testing. Allele origin: germline. Affected: yes.
Comment: In silico analysis supports that this missense variant has a deleterious effect on protein structure/function; Occurs in the triple helical domain at the Y position in the canonical Gly-X-Y repeat; although this variant may have an effect on normal protein folding and function, missense substitution at the Y position is not a common mechanism of disease; Has not been previously published as pathogenic or benign to our knowledge

PreventionGenetics, part of Exact Sciences
Classification: Uncertain significance for COL4A4-related condition. Last evaluated: 2025-06-16. Review status: criteria provided, single submitter. Criteria: ACMG Guidelines, 2015. Collection method: clinical testing. Allele origin: germline.
Comment: The COL4A4 c.2161C>T variant is predicted to result in the amino acid substitution p.Pro721Ser. To our knowledge, this variant has not been reported in the literature. This variant is reported in 0.018% of alleles in individuals of European (Non-Finnish) descent in gnomAD. At this time, the clinical significance of this variant is uncertain due to the absence of conclusive functional and genetic evidence.

Blueprint Genetics
Classification: Uncertain significance. Last evaluated: 2024-10-30. Review status: criteria provided, single submitter. Criteria: ACMG Guidelines, 2015. Collection method: clinical testing. Allele origin: germline.

Victorian Clinical Genetics Services, Murdoch Childrens Research Institute
Classification: Uncertain significance for Alport syndrome. Last evaluated: 2021-05-06. Review status: criteria provided, single submitter. Criteria: ACMG Guidelines, 2015. Collection method: clinical testing. Allele origin: germline. Affected: yes.
Comment: Based on the classification scheme VCGS_Germline_v1.3.4, this variant is classified as VUS-3B. Following criteria are met: 0103 - Loss of function is a known mechanism of disease for this gene and is associated with COL4A4-related nephropathy. Dominant negative is a suspected mechanism of disease for this gene as it is a structural protein (PMIDs: 12028435, 24046192). (I) 0108 - This gene is associated with both recessive and dominant disease. Alport syndrome typically has biallelic inheritance, although rare cases of monoallelic inheritance have been reported (PMID: 28704582). TBMN and focal segmental glomerulosclerosis (FSGS) are associated with autosomal dominant inhertitance (OMIM, PMIDs: 16467446, 17942953). (I) 0200 - Variant is predicted to result in a missense amino acid change from proline to serine. (I) 0251 - This variant is heterozygous. (I) 0304 - Variant is present in gnomAD <0.01 (v2: 23 heterozygotes, 0 homozygotes). (SP) 0501 - Missense variant consistently predicted to be damaging by multiple in silico tools or highly conserved with a major amino acid change. (SP) 0600 - Variant is located in the annotated triple helical region, and affects the Y residue of the Gly-X-Y repeat (UniProt, NCBI conserved domain). (I) 0705 - No comparable missense variants have previous evidence for pathogenicity. (I) 0809 - Previous evidence of pathogenicity for this variant is inconclusive. This variant has been classified once as a variant of uncertain significance by a clinical diagnostic laboratory and has not been reported elsewhere in the literature (ClinVar). (I) 0905 - No published segregation evidence has been identified for this variant. (I) 1007 - No published functional evidence has been identified for this variant. (I) 1208 - Inheritance information for this variant is not currently available in this individual. (I) Legend: (SP) - Supporting pathogenic, (I) - Information, (SB) - Supporting benign

Institute of Human Genetics, University of Leipzig Medical Center
Classification: Uncertain significance for Autosomal recessive Alport syndrome. Last evaluated: 2019-01-01. Review status: criteria provided, single submitter. Criteria: ACMG Guidelines, 2015. Collection method: clinical testing. Allele origin: unknown. Affected: no.

Natera, Inc.
Classification: Uncertain significance for Alport syndrome. Last evaluated: 2020-02-10. Review status: no assertion criteria provided. Collection method: clinical testing. Allele origin: germline. Not counted in ClinVar's aggregate classification.

Literature cited by the submitters: PubMed 12028435 (cited by Victorian Clinical Genetics Services, Murdoch Childrens Research Institute); PubMed 16467446 (cited by Victorian Clinical Genetics Services, Murdoch Childrens Research Institute); PubMed 17942953 (cited by Victorian Clinical Genetics Services, Murdoch Childrens Research Institute); PubMed 24046192 (cited by Victorian Clinical Genetics Services, Murdoch Childrens Research Institute); PubMed 28704582 (cited by Victorian Clinical Genetics Services, Murdoch Childrens Research Institute).